The following is an entry in ClinVar:

NM_000187.4(HGD):c.821C>T (p.Pro274Leu)

Gene: HGD (homogentisate 1,2-dioxygenase; minus strand). Cytogenetic location: 3q13.33.
Variant type: single nucleotide variant.
Coding change: c.821C>T on transcript NM_000187.4 (MANE Select); coding-DNA position 821, C replaced by T.
Protein change: p.Pro274Leu; replaces proline 274 with leucine.
Molecular consequence: missense variant.
Genome position (GRCh38, 1-based): chr3:120,641,647, G>A on the plus strand (C>T on the coding strand, the complement: HGD is on the minus strand). VCF-style: chr3-120641647-G-A. GRCh37 (hg19) VCF-style: chr3-120360494-G-A.
Other names: short protein forms P274L.
Identifiers: ClinVar variation 1495077 (VCV001495077.7), dbSNP rs1397264922, ClinGen allele CA354073978.
Genomic context (GRCh38, chr3:120,641,647, plus strand): 5'-ACTGCATGGTCAAAGGCCACTGAGTTGATAACCATGAAATTCTTCAGGTTGTACTTGTAG[G>A]GTGTATAATTCCCGTGCCAGGCCACAACATTGAACGGGGAGACATCCTAAACACAAAAAG-3'
Protein context (NP_000178.2, residues 264-284): NVVAWHGNYT[Pro274Leu]YKYNLKNFMV

ClinVar aggregate classification (germline): Likely pathogenic. Review status: criteria provided, multiple submitters, no conflicts (2 of 4 stars). 3 submissions from 3 submitters: Likely pathogenic (2). 1 of the submissions does not count toward it. Last evaluated 2026-03-27.

Conditions:
Alkaptonuria (AKU). Also called: Homogentisic acidura; Alkaptonuric ochronosis; HOMOGENTISIC ACID OXIDASE DEFICIENCY; Alcaptonuria. Identifiers: Orphanet 56, MedGen C0002066, MONDO:0008753, OMIM 203500.

Allele frequency attached by ClinVar (database versions not stated): gnomAD exomes below 0.00001; gnomAD 0.00001.
gnomAD v4.1: 2 of 1,613,844 alleles (0.00012%); highest among the groups gnomAD compares: Non-Finnish European, 0.00017%; no homozygotes.

Submissions (3):

Myriad Genetics, Inc.
Classification: Likely pathogenic for Alkaptonuria. Last evaluated: 2026-03-27. Review status: criteria provided, single submitter. Criteria: Myriad Autosomal Dominant, Autosomal Recessive and X-Linked Classification Criteria (2023). Collection method: clinical testing. Allele origin: unknown.
Comment: NM_000187.3(HGD):c.821C>T(P274L) is a missense variant classified as likely pathogenic in the context of alkaptonuria. P274L has been observed in cases with relevant disease (PMID: 21822197, 25804398, 31927521, 34504318). Relevant functional assessments of this variant are not available in the literature. P274L has been observed in referenced population frequency databases. In summary, NM_000187.3(HGD):c.821C>T(P274L) is a missense variant that has been observed more frequently in cases with the relevant disease than in healthy populations. Please note: this variant was assessed in the context of healthy population screening.

Labcorp Genetics (formerly Invitae), Labcorp
Classification: Likely pathogenic for Alkaptonuria. Last evaluated: 2021-10-19. Review status: criteria provided, single submitter. Criteria: Invitae Variant Classification Sherloc (09022015). Collection method: clinical testing. Allele origin: germline.
Comment: In summary, the currently available evidence indicates that the variant is pathogenic, but additional data are needed to prove that conclusively. Therefore, this variant has been classified as Likely Pathogenic. Advanced modeling of protein sequence and biophysical properties (such as structural, functional, and spatial information, amino acid conservation, physicochemical variation, residue mobility, and thermodynamic stability) performed at Invitae indicates that this missense variant is expected to disrupt HGD protein function. This variant has been observed in individual(s) with alkaptonuria (PMID: 21822197, 31927521). This variant is not present in population databases (ExAC no frequency). This sequence change replaces proline with leucine at codon 274 of the HGD protein (p.Pro274Leu). The proline residue is highly conserved and there is a moderate physicochemical difference between proline and leucine.

Department Of Human Genetics, Institute Of Clinical And Translational Research, Biomedical Research Center, Slovak Academy Of Sciences
Classification: Pathogenic for Alkaptonuria. Review status: no assertion criteria provided. Collection method: research. Allele origin: germline. Inheritance: Autosomal recessive inheritance. Affected: yes. Observed: 7 variant alleles. Not counted in ClinVar's aggregate classification.
Comment: The variant was originally described in AKU patient in PMID:21822197. It has been submitted to the HGD gene mutation database (DB-ID: AKU_00105).

Literature cited by the submitters: PubMed 21822197 (cited by 3 submitters); PubMed 25804398 (cited by Myriad Genetics, Inc.); PubMed 31927521 (cited by Myriad Genetics, Inc. and Labcorp Genetics (formerly Invitae), Labcorp); PubMed 34504318 (cited by Myriad Genetics, Inc.).